The following is an entry in ClinVar:

NM_001267550.2(TTN):c.60375C>A (p.Tyr20125Ter)

Genes: TTN (titin; minus strand), TTN-AS1 (TTN antisense RNA 1; plus strand). Cytogenetic location: 2q31.2.
Variant type: single nucleotide variant.
Coding change: c.60375C>A on transcript NM_001267550.2 (MANE Select); coding-DNA position 60375, C replaced by A.
Protein change: p.Tyr20125Ter; replaces tyrosine 20125 with a stop codon.
Molecular consequence: nonsense.
Genome position (GRCh38, 1-based): chr2:178,591,350, G>T on the plus strand (C>A on the coding strand, the complement: TTN is on the minus strand). VCF-style: chr2-178591350-G-T. GRCh37 (hg19) VCF-style: chr2-179456077-G-T.
Other names: c.55452C>A, p.Tyr18484Ter (NM_001256850.1); c.33180C>A, p.Tyr11060Ter (NM_003319.4); c.52671C>A, p.Tyr17557Ter (NM_133378.4); c.33555C>A, p.Tyr11185Ter (NM_133432.3); c.33756C>A, p.Tyr11252Ter (NM_133437.4); c.60375C>A (NM_001267550.1); short protein forms Y18484*, Y20125*, Y11185*, Y11252*, Y17557*, Y11060*.
Identifiers: ClinVar variation 424458 (VCV000424458.7), dbSNP rs1064796977, ClinGen allele CA16617367.

ClinVar aggregate classification (germline): Likely pathogenic. Review status: criteria provided, multiple submitters, no conflicts (2 of 4 stars). 2 submissions from 2 submitters: Likely pathogenic (2). Last evaluated 2026-09-25.

Conditions:
Autosomal recessive limb-girdle muscular dystrophy type 2J (LGMDR10). Also called: Limb-girdle muscular dystrophy, type 2J; MUSCULAR DYSTROPHY, LIMB-GIRDLE, AUTOSOMAL RECESSIVE 10. Identifiers: Orphanet 140922, MedGen C1837342, MONDO:0012127, OMIM 608807.
Dilated cardiomyopathy 1G (CMD1G). Identifiers: Orphanet 154, MedGen C1858763, MONDO:0011400, OMIM 604145.

Submissions (2):

GeneDx
Classification: Likely pathogenic. Last evaluated: 2026-09-25. Review status: criteria provided, single submitter. Criteria: GeneDx Variant Classification Process June 2021. Collection method: clinical testing. Allele origin: germline.
Comment: Nonsense variant predicted to result in protein truncation or nonsense mediated decay in a gene for which loss of function is a known mechanism of disease; Not observed at significant frequency in large population cohorts (gnomAD); Has not been previously published as pathogenic or benign to our knowledge; Located in the A-band, a region of TTN for which truncating variants are significantly associated with autosomal dominant cardiomyopathy and also with autosomal recessive skeletal myopathies (PMID: 22335739, 32778822); This variant is associated with the following publications: (PMID: 24575448, 22335739, 32778822)

Labcorp Genetics (formerly Invitae), Labcorp
Classification: Likely pathogenic for Dilated cardiomyopathy 1G; Autosomal recessive limb-girdle muscular dystrophy type 2J. Last evaluated: 2024-09-15. Review status: criteria provided, single submitter. Criteria: Invitae Variant Classification Sherloc (09022015). Collection method: clinical testing. Allele origin: germline.
Comment: This sequence change creates a premature translational stop signal (p.Tyr20125*) in the TTN gene. While this is not anticipated to result in nonsense mediated decay, it is expected to create a truncated TTN protein. This variant is not present in population databases (gnomAD no frequency). This variant has not been reported in the literature in individuals affected with TTN-related conditions. ClinVar contains an entry for this variant (Variation ID: 424458). This variant is located in the A band of TTN (PMID: 25589632). Truncating variants in this region are significantly overrepresented in patients affected with dilated cardiomyopathy (PMID: 25589632). Truncating variants in this region have also been reported in individuals affected with autosomal recessive centronuclear myopathy (PMID: 23975875). In summary, the currently available evidence indicates that the variant is pathogenic, but additional data are needed to prove that conclusively. Therefore, this variant has been classified as Likely Pathogenic.

Literature cited by the submitters: PubMed 25589632 (cited by Labcorp Genetics (formerly Invitae), Labcorp); PubMed 23975875 (cited by Labcorp Genetics (formerly Invitae), Labcorp).